The following is an entry in ClinVar:

ClinVar aggregate classification (germline): Uncertain significance. Review status: criteria provided, multiple submitters, no conflicts (2 of 4 stars). 2 submissions from 2 submitters: Uncertain significance (2). Last evaluated 2025-11-01.

Conditions:
Long QT syndrome (LQTS). Identifiers: MedGen C0023976, MeSH D008133, MONDO:0002442. Disease mechanism: loss of function. Inheritance: Various modes of inheritance.
CACNA1C-related disorder. Also called: CACNA1C-related disorders; CACNA1C-related condition. Identifiers: MedGen CN381092, MONDO:0700321.

Submissions (2):

Labcorp Genetics (formerly Invitae), Labcorp
Classification: Uncertain significance for Long QT syndrome. Last evaluated: 2025-11-01. Review status: criteria provided, single submitter. Criteria: Invitae Variant Classification Sherloc (09022015). Collection method: clinical testing. Allele origin: germline.
Comment: This sequence change replaces alanine, which is neutral and non-polar, with threonine, which is neutral and polar, at codon 309 of the CACNA1C protein (p.Ala309Thr). This variant is not present in population databases (gnomAD no frequency). This variant has not been reported in the literature in individuals affected with CACNA1C-related conditions. Invitae Evidence Modeling of protein sequence and biophysical properties (such as structural, functional, and spatial information, amino acid conservation, physicochemical variation, residue mobility, and thermodynamic stability) indicates that this missense variant is not expected to disrupt CACNA1C protein function with a negative predictive value of 95%. In summary, the available evidence is currently insufficient to determine the role of this variant in disease. Therefore, it has been classified as a Variant of Uncertain Significance.

PreventionGenetics, part of Exact Sciences
Classification: Uncertain significance for CACNA1C-related condition. Last evaluated: 2024-11-04. Review status: criteria provided, single submitter. Criteria: ACMG Guidelines, 2015. Collection method: clinical testing. Allele origin: germline.
Comment: The CACNA1C c.917-1G>A variant is predicted to disrupt the AG splice acceptor site and interfere with normal splicing. To our knowledge, this variant has not been reported in the literature or in a large population database (gnomAD), indicating this variant is rare. This variant is also known as a missense change c.925G>A (p.Ala309Thr) on another widely used transcript NM_000719. At this time, the clinical significance of this variant is uncertain due to the absence of conclusive functional and genetic evidence.

NM_000719.7(CACNA1C):c.925G>A (p.Ala309Thr)

Gene: CACNA1C (calcium voltage-gated channel subunit alpha1 C; plus strand). Cytogenetic location: 12p13.33.
Variant type: single nucleotide variant.
Coding change: c.925G>A on transcript NM_000719.7 (MANE Select); coding-DNA position 925, G replaced by A.
Protein change: p.Ala309Thr; replaces alanine 309 with threonine.
Molecular consequence: missense variant. On other transcripts: splice acceptor variant (1).
Genome position (GRCh38, 1-based): chr12:2,493,198, G>A. VCF-style: chr12-2493198-G-A. GRCh37 (hg19) VCF-style: chr12-2602364-G-A.
Other names: c.925G>A, p.Ala309Thr (NM_001167623.2, NM_001167624.3, NM_001167625.2 and 18 more transcripts); c.917-1G>A (NM_001129844.2, NM_001129844.1); short protein forms A309T.
Identifiers: ClinVar variation 4752493 (VCV004752493.2).
Genomic context (GRCh38, chr12:2,493,198, plus strand): 5'-CATCTCTCCCTCCCTGCTGCTCCCGTCTCCTGTCTTCTTCTGGCCATTTGAGATGTTCCA[G>A]CAGAAGATGACCCTTCCCCTTGTGCGCTGGAAACGGGCCACGGGCGGCAGTGCCAGAACG-3'
Protein context (NP_000710.5, residues 299-319): YNQEGIADVP[Ala309Thr]EDDPSPCALE